The following is an entry in ClinVar:

NM_000180.4(GUCY2D):c.2965G>C (p.Val989Leu)

Gene: GUCY2D (guanylate cyclase 2D, retinal; plus strand). Cytogenetic location: 17p13.1.
Variant type: single nucleotide variant.
Coding change: c.2965G>C on transcript NM_000180.4 (MANE Select); coding-DNA position 2965, G replaced by C.
Protein change: p.Val989Leu; replaces valine 989 with leucine.
Molecular consequence: missense variant.
Genome position (GRCh38, 1-based): chr17:8,015,763, G>C. VCF-style: chr17-8015763-G-C. GRCh37 (hg19) VCF-style: chr17-7919081-G-C.
Other names: short protein forms V989L.
Identifiers: ClinVar variation 1065677 (VCV001065677.1), dbSNP rs1248867031, ClinGen allele CA397955146.

ClinVar aggregate classification (germline): Uncertain significance (1 of 4 stars; one submission).

Conditions:
Leber congenital amaurosis 1 (LCA1). Also called: AMAUROSIS CONGENITA OF LEBER I; RETINAL BLINDNESS, CONGENITAL; Congenital absence of the rods and cones; Leber's congenital tapetoretinal degeneration; Leber's congenital tapetoretinal dysplasia. Identifiers: Orphanet 65, MedGen C2931258, MONDO:0008764, OMIM 204000.

Submission:

Ocular Genomics Institute, Massachusetts Eye and Ear
Classification: Uncertain significance for Leber congenital amaurosis 1. Last evaluated: 2021-04-08. Review status: criteria provided, single submitter. Criteria: ACMG Guidelines, 2015. Collection method: research. Allele origin: germline. Affected: yes.
Comment: Through a review of available evidence we were able to apply the following criteria: PM2, PM3. Based on this evidence we have classified this variant as Variant of Uncertain Significance.